The following is an entry in ClinVar:

ClinVar aggregate classification (germline): Likely benign (0 of 4 stars; one submission).

Conditions:
ROR2-related disorder. Also called: ROR2-related condition; ROR2-related disorders.

gnomAD v4.1: 4 of 1,614,114 alleles (0.00025%); highest among the groups gnomAD compares: Non-Finnish European, 0.00034%; no homozygotes.

Submission:

PreventionGenetics, part of Exact Sciences
Classification: Likely benign for ROR2-related condition. Last evaluated: 2024-08-26. Review status: no assertion criteria provided. Collection method: clinical testing. Allele origin: germline.
Comment: This variant is classified as likely benign based on ACMG/AMP sequence variant interpretation guidelines (Richards et al. 2015 PMID: 25741868, with internal and published modifications).

NM_004560.4(ROR2):c.1902G>A (p.Leu634=)

Gene: ROR2 (ROR family WNT receptor 2; minus strand). Cytogenetic location: 9q22.31.
Variant type: single nucleotide variant.
Coding change: c.1902G>A on transcript NM_004560.4 (MANE Select); coding-DNA position 1902, G replaced by A.
Protein change: p.Leu634=; no amino-acid change (leucine 634 retained).
Molecular consequence: synonymous variant.
Genome position (GRCh38, 1-based): chr9:91,724,592, C>T on the plus strand (G>A on the coding strand, the complement: ROR2 is on the minus strand). VCF-style: chr9-91724592-C-T. GRCh37 (hg19) VCF-style: chr9-94486874-C-T.
Identifiers: ClinVar variation 3353187 (VCV003353187.1).